The following is an entry in ClinVar:

ClinVar aggregate classification (germline): Uncertain significance (1 of 4 stars; one submission).

Submission:

Labcorp Genetics (formerly Invitae), Labcorp
Classification: Uncertain significance. Last evaluated: 2024-06-14. Review status: criteria provided, single submitter. Criteria: Invitae Variant Classification Sherloc (09022015). Collection method: clinical testing. Allele origin: germline.
Comment: This sequence change replaces valine, which is neutral and non-polar, with alanine, which is neutral and non-polar, at codon 837 of the VAV1 protein (p.Val837Ala). This variant is not present in population databases (gnomAD no frequency). This variant has not been reported in the literature in individuals affected with VAV1-related conditions. An algorithm developed to predict the effect of missense changes on protein structure and function (PolyPhen-2) suggests that this variant is likely to be disruptive. In summary, the available evidence is currently insufficient to determine the role of this variant in disease. Therefore, it has been classified as a Variant of Uncertain Significance.

NM_005428.4(VAV1):c.2510T>C (p.Val837Ala)

Gene: VAV1 (vav guanine nucleotide exchange factor 1; plus strand). Cytogenetic location: 19p13.3.
Variant type: single nucleotide variant.
Coding change: c.2510T>C on transcript NM_005428.4 (MANE Select); coding-DNA position 2510, T replaced by C.
Protein change: p.Val837Ala; replaces valine 837 with alanine.
Molecular consequence: missense variant.
Genome position (GRCh38, 1-based): chr19:6,857,079, T>C. VCF-style: chr19-6857079-T-C. GRCh37 (hg19) VCF-style: chr19-6857090-T-C.
Other names: c.2444T>C, p.Val815Ala (NM_001258206.2); c.2414T>C, p.Val805Ala (NM_001258207.2); short protein forms V837A, V805A, V815A.
Identifiers: ClinVar variation 3656664 (VCV003656664.2).
Genomic context (GRCh38, chr19:6,857,079, plus strand): 5'-GAGGTTGCACTGATGAACTCCTCGTCTGTTTCCAGGTTGGCTGGTTCCCTGCCAACTACG[T>C]GGAGGAAGATTATTCTGAATACTGCTGAGCCCTGGTGCCTTGGCAGAGAGACGAGAAACT-3'
Protein context (NP_005419.2, residues 827-845): GRVGWFPANY[Val837Ala]EEDYSEYC